The following is an entry in ClinVar:

ClinVar aggregate classification (germline): Uncertain significance (1 of 4 stars; one submission).

gnomAD v4.1: 2 of 1,612,938 alleles (0.00012%); highest among the groups gnomAD compares: Non-Finnish European, 0.00017%; no homozygotes.

Submission:

GeneDx
Classification: Uncertain significance. Last evaluated: 2023-03-29. Review status: criteria provided, single submitter. Criteria: GeneDx Variant Classification Process June 2021. Collection method: clinical testing. Allele origin: germline. Affected: yes.
Comment: Not observed at significant frequency in large population cohorts (gnomAD); In silico analysis supports that this missense variant has a deleterious effect on protein structure/function; Has not been previously published as pathogenic or benign to our knowledge

NM_000435.3(NOTCH3):c.506G>T (p.Arg169Leu)

Gene: NOTCH3 (notch receptor 3; minus strand). Cytogenetic location: 19p13.12.
Variant type: single nucleotide variant.
Coding change: c.506G>T on transcript NM_000435.3 (MANE Select); coding-DNA position 506, G replaced by T.
Protein change: p.Arg169Leu; replaces arginine 169 with leucine.
Molecular consequence: missense variant.
Genome position (GRCh38, 1-based): chr19:15,192,133, C>A on the plus strand (G>T on the coding strand, the complement: NOTCH3 is on the minus strand). VCF-style: chr19-15192133-C-A. GRCh37 (hg19) VCF-style: chr19-15302944-C-A.
Other names: short protein forms R169L.
Identifiers: ClinVar variation 3342914 (VCV003342914.1).